The following is an entry in ClinVar:

ClinVar aggregate classification (germline): Uncertain significance (1 of 4 stars; one submission).

Conditions:
Menkes kinky-hair syndrome (MNK). Also called: Copper transport disease; Menkes Disease; Classic Menkes Disease. Identifiers: Orphanet 565, MedGen C0022716, MONDO:0010651, OMIM 309400.
X-linked distal spinal muscular atrophy type 3. Also called: ATP7A-Related Distal Motor Neuropathy; SPINAL MUSCULAR ATROPHY, DISTAL, X-LINKED RECESSIVE; NEURONOPATHY, DISTAL HEREDITARY MOTOR, X-LINKED; NEUROPATHY, DISTAL HEREDITARY MOTOR, X-LINKED. Identifiers: Orphanet 139557, MedGen C1845359, MONDO:0010338, OMIM 300489.
Cutis laxa, X-linked (OHS). Also called: EDS IX; Occipital horn syndrome. Identifiers: Orphanet 198, MedGen C0268353, MONDO:0010572, OMIM 304150.

Submission:

Labcorp Genetics (formerly Invitae), Labcorp
Classification: Uncertain significance for X-linked distal spinal muscular atrophy type 3; Cutis laxa, X-linked; Menkes kinky-hair syndrome. Last evaluated: 2024-03-28. Review status: criteria provided, single submitter. Criteria: Invitae Variant Classification Sherloc (09022015). Collection method: clinical testing. Allele origin: germline.
Comment: This sequence change replaces aspartic acid, which is acidic and polar, with asparagine, which is neutral and polar, at codon 284 of the ATP7A protein (p.Asp284Asn). This variant is not present in population databases (gnomAD no frequency). This variant has not been reported in the literature in individuals affected with ATP7A-related conditions. Advanced modeling of protein sequence and biophysical properties (such as structural, functional, and spatial information, amino acid conservation, physicochemical variation, residue mobility, and thermodynamic stability) performed at Invitae indicates that this missense variant is not expected to disrupt ATP7A protein function with a negative predictive value of 95%. In summary, the available evidence is currently insufficient to determine the role of this variant in disease. Therefore, it has been classified as a Variant of Uncertain Significance.

NM_000052.7(ATP7A):c.850G>A (p.Asp284Asn)

Gene: ATP7A (ATPase copper transporting alpha; plus strand). Cytogenetic location: Xq21.1.
Variant type: single nucleotide variant.
Coding change: c.850G>A on transcript NM_000052.7 (MANE Select); coding-DNA position 850, G replaced by A.
Protein change: p.Asp284Asn; replaces aspartic acid 284 with asparagine.
Molecular consequence: missense variant.
Genome position (GRCh38, 1-based): chrX:77,989,472, G>A. VCF-style: chrX-77989472-G-A. GRCh37 (hg19) VCF-style: chrX-77244968-G-A.
Other names: c.850G>A, p.Asp284Asn (NM_001282224.2); short protein forms D284N.
Identifiers: ClinVar variation 3753798 (VCV003753798.2).
Genomic context (GRCh38, chrX:77,989,472, plus strand): 5'-GAAGGGTCACAGCAAAGGAGTCCATCATATACCAATGATTCAACAGCCACTTTCATCATT[G>A]ATGGCATGCATTGTAAATCATGTGTGTCAAATATTGAAAGTACTTTATCTGCACTCCAAT-3'
Protein context (NP_000043.4, residues 274-294): TNDSTATFII[Asp284Asn]GMHCKSCVSN